The following is an entry in ClinVar:

NM_000051.4(ATM):c.8895G>T (p.Leu2965Phe)

Genes: ATM (ATM serine/threonine kinase; plus strand), C11orf65 (chromosome 11 open reading frame 65; minus strand). Cytogenetic location: 11q22.3.
Variant type: single nucleotide variant.
Coding change: c.8895G>T on transcript NM_000051.4 (MANE Select); coding-DNA position 8895, G replaced by T.
Protein change: p.Leu2965Phe; replaces leucine 2965 with phenylalanine.
Molecular consequence: missense variant. On other transcripts: intron variant (2).
Genome position (GRCh38, 1-based): chr11:108,365,126, G>T. VCF-style: chr11-108365126-G-T. GRCh37 (hg19) VCF-style: chr11-108235853-G-T.
Other names: c.8895G>T, p.Leu2965Phe (NM_001351834.2); c.640+20794C>A (NM_001330368.2); c.694+20794C>A (NM_001351110.2); short protein forms L2965F.
Identifiers: ClinVar variation 407530 (VCV000407530.26), dbSNP rs200899512, ClinGen allele CA16613237.
Genomic context (GRCh38, chr11:108,365,126, plus strand): 5'-TGTTCTCTCTGTTTAGGTCCTTCTATATGATCCACTCTTTGACTGGACCATGAATCCTTT[G>T]AAAGCTTTGTATTTACAGCAGAGGCCGGAAGATGAAACTGAGCTTCACCCTACTCTGAAT-3'
Protein context (NP_000042.3, residues 2955-2975): DPLFDWTMNP[Leu2965Phe]KALYLQQRPE

ClinVar aggregate classification (germline): Uncertain significance. Review status: criteria provided, multiple submitters, no conflicts (2 of 4 stars). 7 submissions from 7 submitters: Uncertain significance (6). 1 of the submissions does not count toward it. Last evaluated 2025-12-19.

Conditions:
ATM-related disorder. Also called: ATM-related disorders; ATM-related condition.
Hereditary cancer-predisposing syndrome. Also called: Neoplastic Syndromes, Hereditary; Hereditary Cancer Syndrome; Tumor predisposition; Hereditary neoplastic syndrome. Identifiers: Orphanet 140162, MedGen C0027672, MeSH D009386, MONDO:0015356.
Familial cancer of breast. Also called: Hereditary breast cancer; BREAST CANCER, FAMILIAL; hereditary breast carcinoma. Identifiers: Orphanet 227535, MedGen C0346153, MONDO:0016419, OMIM 114480. Disease mechanism: loss of function.
Ataxia-telangiectasia syndrome (AT). Also called: LOUIS-BAR SYNDROME; Cerebello-oculocutaneous telangiectasia; Immunodeficiency with ataxia telangiectasia; Ataxia-telangiectasia, complementation group D; AT, COMPLEMENTATION GROUP C; Ataxia-telangiectasia, complementation group E. Identifiers: Orphanet 100, MedGen C0004135, MONDO:0008840, OMIM 208900.

gnomAD v4.1: 14 of 1,614,138 alleles (0.00087%); highest among the groups gnomAD compares: Non-Finnish European, 0.0012%; no homozygotes.

Submissions (7):

Labcorp Genetics (formerly Invitae), Labcorp
Classification: Uncertain significance for Ataxia-telangiectasia syndrome. Last evaluated: 2025-12-19. Review status: criteria provided, single submitter. Criteria: Invitae Variant Classification Sherloc (09022015). Collection method: clinical testing. Allele origin: germline.
Comment: This sequence change replaces leucine, which is neutral and non-polar, with phenylalanine, which is neutral and non-polar, at codon 2965 of the ATM protein (p.Leu2965Phe). This variant is not present in population databases (gnomAD no frequency). This missense change has been observed in individual(s) with prostate cancer (PMID: 33436325). ClinVar contains an entry for this variant (Variation ID: 407530). Invitae Evidence Modeling of protein sequence and biophysical properties (such as structural, functional, and spatial information, amino acid conservation, physicochemical variation, residue mobility, and thermodynamic stability) indicates that this missense variant is not expected to disrupt ATM protein function with a negative predictive value of 95%. In summary, the available evidence is currently insufficient to determine the role of this variant in disease. Therefore, it has been classified as a Variant of Uncertain Significance.

Ambry Genetics
Classification: Uncertain significance for Hereditary cancer-predisposing syndrome. Last evaluated: 2024-10-29. Review status: criteria provided, single submitter. Criteria: Ambry Variant Classification Scheme 2023. Collection method: clinical testing. Allele origin: germline.
Comment: The p.L2965F variant (also known as c.8895G>T), located in coding exon 61 of the ATM gene, results from a G to T substitution at nucleotide position 8895. The leucine at codon 2965 is replaced by phenylalanine, an amino acid with highly similar properties. This variant was reported in 1/5560 prostate cancer cases and in 0/3353 controls of European ancestry (Karlsson Q et al. Eur Urol Oncol, 2021 08;4:570-579). This amino acid position is highly conserved in available vertebrate species. In addition, the in silico prediction for this alteration is inconclusive. Based on the available evidence, the clinical significance of this variant remains unclear.

Baylor Genetics
Classification: Uncertain significance for Familial cancer of breast. Last evaluated: 2024-03-17. Review status: criteria provided, single submitter. Criteria: ACMG Guidelines, 2015. Collection method: clinical testing. Allele origin: unknown.

GeneDx
Classification: Uncertain significance. Last evaluated: 2022-05-24. Review status: criteria provided, single submitter. Criteria: GeneDx Variant Classification Process June 2021. Collection method: clinical testing. Allele origin: germline. Affected: yes.
Comment: Not observed at significant frequency in large population cohorts (gnomAD); In silico analysis supports that this missense variant does not alter protein structure/function; Observed in an individual with prostate cancer (Karlsson 2021); This variant is associated with the following publications: (PMID: 27602502, 21787400, 33436325, 23532176)

Color Diagnostics, LLC DBA Color Health
Classification: Uncertain significance for Hereditary cancer-predisposing syndrome. Last evaluated: 2022-04-18. Review status: criteria provided, single submitter. Criteria: ACMG Guidelines, 2015. Collection method: clinical testing. Allele origin: germline.
Comment: This missense variant replaces leucine with phenylalanine at codon 2965 of the ATM protein. Computational prediction is inconclusive regarding the impact of this variant on protein structure and function (internally defined REVEL score threshold 0.5 < inconclusive < 0.7, PMID: 27666373). To our knowledge, functional studies have not been reported for this variant. This variant has not been reported in individuals affected with hereditary cancer in the literature. In a large international case-control study, this variant was reported in 0/60466 breast cancer cases and 3/53461 controls (PMID: 33471991). This variant has not been identified in the general population by the Genome Aggregation Database (gnomAD). The available evidence is insufficient to determine the role of this variant in disease conclusively. Therefore, this variant is classified as a Variant of Uncertain Significance.

Sema4
Classification: Uncertain significance for Hereditary cancer-predisposing syndrome. Last evaluated: 2021-08-18. Review status: criteria provided, single submitter. Criteria: Sema4 Curation Guidelines. Collection method: curation. Allele origin: germline.
Comment: The ATM c.8895G>T (p.L2965F) variant has been reported in at least 1 individual with prostate cancer, (PMID 33436325). It has been reported in 3 controls and no cases in a large dataset of 60,466 women with breast cancer and 53,461 controls (PMID 33471991). It was not observed in the large and broad cohorts of the Genome Aggregation Database (PMID: 32461654). This variant has been reported in ClinVar (Variation ID 407530). Functional studies have not been performed, and in silico predictions of the variant's effect on protein function are inconclusive.The overall evidence is insufficient to meet ACMG/AMP criteria for classifying it as benign or pathogenic. In summary, the clinical significance of this variant is currently uncertain.

PreventionGenetics, part of Exact Sciences
Classification: Uncertain significance for ATM-related condition. Last evaluated: 2024-03-29. Review status: no assertion criteria provided. Collection method: clinical testing. Allele origin: germline. Not counted in ClinVar's aggregate classification.
Comment: The ATM c.8895G>T variant is predicted to result in the amino acid substitution p.Leu2965Phe. This variant has been reported in a cohort study to investigate the role of ATM in breast cancer susceptibility and the variant was from Breast Cancer Family Registry but no other detail was provided (Supplementary Table S1, Goldgar et al 2011. PubMed ID: 21787400). This variant has also been reported in an individual with prostate cancer (Table S4, Karlsson et al 2021. PubMed ID: 33436325). This variant has not been reported in a large population database, indicating this variant is rare. This variant is interpreted as a variant of uncertain significance in ClinVar. At this time, the clinical significance of this variant is uncertain due to the absence of conclusive functional and genetic evidence.

Literature cited by the submitters: PubMed 33436325 (cited by 3 submitters); PubMed 21787400 (cited by Ambry Genetics); PubMed 27602502 (cited by Ambry Genetics); PubMed 33471991 (cited by Color Diagnostics, LLC DBA Color Health and Sema4).